The following is an entry in ClinVar:

NM_001940.4(ATN1):c.1860C>T (p.Thr620=)

Gene: ATN1 (atrophin 1; plus strand). Cytogenetic location: 12p13.31.
Variant type: single nucleotide variant.
Coding change: c.1860C>T on transcript NM_001940.4 (MANE Select); coding-DNA position 1860, C replaced by T.
Protein change: p.Thr620=; no amino-acid change (threonine 620 retained).
Molecular consequence: synonymous variant.
Genome position (GRCh38, 1-based): chr12:6,937,127, C>T. VCF-style: chr12-6937127-C-T. GRCh37 (hg19) VCF-style: chr12-7046290-C-T.
Other names: c.1860C>T, p.Thr620= (NM_001007026.2, NM_001424176.1, NM_001424177.1 and 1 more transcripts); c.1857C>T, p.Thr619= (NM_001424179.1, NM_001424180.1); c.1839C>T, p.Thr613= (NM_001424181.1); c.1836C>T, p.Thr612= (NM_001424182.1).
Identifiers: ClinVar variation 2642651 (VCV002642651.24), dbSNP rs199903899, ClinGen allele CA6420727.
Genomic context (GRCh38, chr12:6,937,127, plus strand): 5'-TTTCCCACCGGTGCCTACGGTCACCACCTCTTCGGCTACCCTTTCCACGGTCATTGCCAC[C>T]GTGGCTTCCTCGCCAGCAGGCTACAAAACGGCCTCCCCACCTGGGCCCCCACCGTACGGA-3'
Protein context (NP_001931.2, residues 610-630): SSATLSTVIA[Thr620=]VASSPAGYKT

ClinVar aggregate classification (germline): Likely benign (1 of 4 stars; one submission).

Allele frequency attached by ClinVar (database versions not stated): ExAC 0.00017; TOPMed 0.00019; gnomAD 0.00020; ESP Exome Variant Server 0.00023; 1000 Genomes Project 0.00060; 1000 Genomes Project 30x 0.00062.
gnomAD v4.1: 281 of 1,611,746 alleles (0.017%); highest among the groups gnomAD compares: Middle Eastern, 0.082%; no homozygotes.

Submission:

CeGaT Center for Human Genetics Tuebingen
Classification: Likely benign. Last evaluated: 2023-03-01. Review status: criteria provided, single submitter. Criteria: CeGaT Center For Human Genetics Tuebingen Variant Classification Criteria Version 2. Collection method: clinical testing. Allele origin: germline. Affected: yes. Observed: 1 variant allele.
Comment: ATN1: BP4, BP7